The following is an entry in ClinVar:

ClinVar aggregate classification (germline): Uncertain significance (1 of 4 stars; one submission).

Conditions:
Baller-Gerold syndrome (BGS). Also called: CRANIOSYNOSTOSIS WITH RADIAL DEFECTS. Identifiers: Orphanet 1225, MedGen C0265308, MONDO:0009039, OMIM 218600.

gnomAD v4.1: 1 of 1,612,564 alleles (0.000062%); highest among the groups gnomAD compares: Non-Finnish European, 0.000085%; no homozygotes.

Submission:

Labcorp Genetics (formerly Invitae), Labcorp
Classification: Uncertain significance for Baller-Gerold syndrome. Last evaluated: 2024-02-05. Review status: criteria provided, single submitter. Criteria: Invitae Variant Classification Sherloc (09022015). Collection method: clinical testing. Allele origin: germline.
Comment: This sequence change replaces alanine, which is neutral and non-polar, with proline, which is neutral and non-polar, at codon 954 of the RECQL4 protein (p.Ala954Pro). This variant is not present in population databases (gnomAD no frequency). This variant has not been reported in the literature in individuals affected with RECQL4-related conditions. ClinVar contains an entry for this variant (Variation ID: 579833). Advanced modeling of protein sequence and biophysical properties (such as structural, functional, and spatial information, amino acid conservation, physicochemical variation, residue mobility, and thermodynamic stability) performed at Invitae indicates that this missense variant is not expected to disrupt RECQL4 protein function with a negative predictive value of 80%. In summary, the available evidence is currently insufficient to determine the role of this variant in disease. Therefore, it has been classified as a Variant of Uncertain Significance.

NM_004260.4(RECQL4):c.2860G>C (p.Ala954Pro)

Gene: RECQL4 (RecQ like helicase 4; minus strand). Cytogenetic location: 8q24.3.
Variant type: single nucleotide variant.
Coding change: c.2860G>C on transcript NM_004260.4 (MANE Select); coding-DNA position 2860, G replaced by C.
Protein change: p.Ala954Pro; replaces alanine 954 with proline.
Molecular consequence: missense variant.
Genome position (GRCh38, 1-based): chr8:144,512,667, C>G on the plus strand (G>C on the coding strand, the complement: RECQL4 is on the minus strand). VCF-style: chr8-144512667-C-G. GRCh37 (hg19) VCF-style: chr8-145738050-C-G.
Other names: short protein forms A954P.
Identifiers: ClinVar variation 579833 (VCV000579833.5), dbSNP rs1564791493, ClinGen allele CA372673966.
Genomic context (GRCh38, chr8:144,512,667, plus strand): 5'-CCAACCTCGTCTCCAACTGGGCAGGGCGTGCTTACCTGTGGGCCAGGGCCTGGAGCTGGG[C>G]AGGGCCCCCAGGGCAGTTCAGACGGCAATGGGTATAGGTGGTCGCCAGCAGCTCCAGCCA-3'
Protein context (NP_004251.4, residues 944-964): HCRLNCPGGP[Ala954Pro]QLQALAHRCP